The following is an entry in ClinVar:

ClinVar aggregate classification (germline): Likely benign. Review status: criteria provided, multiple submitters, no conflicts (2 of 4 stars). 2 submissions from 2 submitters: Likely benign (2). Last evaluated 2026-07-01.

Allele frequency attached by ClinVar (database versions not stated): ExAC 0.00003; gnomAD 0.00003; gnomAD exomes 0.00003; TOPMed 0.00004.
gnomAD v4.1: 41 of 1,614,132 alleles (0.0025%); highest among the groups gnomAD compares: Middle Eastern, 0.049%; no homozygotes.

Submissions (2):

CeGaT Center for Human Genetics Tuebingen
Classification: Likely benign. Last evaluated: 2026-07-01. Review status: criteria provided, single submitter. Criteria: CeGaT Center For Human Genetics Tuebingen Variant Classification Criteria Version 2. Collection method: clinical testing. Allele origin: germline. Affected: yes. Observed: 1 variant allele.
Comment: ATP2B2: BP4, BP7

Labcorp Genetics (formerly Invitae), Labcorp
Classification: Likely benign. Last evaluated: 2024-12-02. Review status: criteria provided, single submitter. Criteria: Invitae Variant Classification Sherloc (09022015). Collection method: clinical testing. Allele origin: germline.

NM_001001331.4(ATP2B2):c.3051C>T (p.His1017=)

Gene: ATP2B2 (ATPase plasma membrane Ca2+ transporting 2; minus strand). Cytogenetic location: 3p25.3.
Variant type: single nucleotide variant.
Coding change: c.3051C>T on transcript NM_001001331.4 (MANE Select); coding-DNA position 3051, C replaced by T.
Protein change: p.His1017=; no amino-acid change (histidine 1017 retained).
Molecular consequence: synonymous variant.
Genome position (GRCh38, 1-based): chr3:10,340,571, G>A on the plus strand (C>T on the coding strand, the complement: ATP2B2 is on the minus strand). VCF-style: chr3-10340571-G-A. GRCh37 (hg19) VCF-style: chr3-10382255-G-A.
Other names: c.2916C>T, p.His972= (NM_001330611.3, NM_001353564.1, NM_001363862.1 and 1 more transcripts).
Identifiers: ClinVar variation 3022576 (VCV003022576.4), dbSNP rs769667950, ClinGen allele CA2253209.